The following is an entry in ClinVar:

NM_001267550.2(TTN):c.50860A>T (p.Lys16954Ter)

Genes: TTN (titin; minus strand), TTN-AS1 (TTN antisense RNA 1; plus strand). Cytogenetic location: 2q31.2.
Variant type: single nucleotide variant.
Coding change: c.50860A>T on transcript NM_001267550.2 (MANE Select); coding-DNA position 50860, A replaced by T.
Protein change: p.Lys16954Ter; replaces lysine 16954 with a stop codon.
Molecular consequence: nonsense.
Genome position (GRCh38, 1-based): chr2:178,611,269, T>A on the plus strand (A>T on the coding strand, the complement: TTN is on the minus strand). VCF-style: chr2-178611269-T-A. GRCh37 (hg19) VCF-style: chr2-179475996-T-A.
Other names: p.K15313*:AAG>TAG; c.45937A>T, p.Lys15313Ter (NM_001256850.1); c.23665A>T, p.Lys7889Ter (NM_003319.4); c.43156A>T, p.Lys14386Ter (NM_133378.4); c.24040A>T, p.Lys8014Ter (NM_133432.3); c.24241A>T, p.Lys8081Ter (NM_133437.4); short protein forms K15313*, K16954*, K14386*, K8081*, K7889*, K8014*.
Identifiers: ClinVar variation 202382 (VCV000202382.16), dbSNP rs794729268, ClinGen allele CA309251.

ClinVar aggregate classification (germline): Pathogenic/Likely pathogenic. Review status: criteria provided, multiple submitters, no conflicts (2 of 4 stars). 3 submissions from 3 submitters: Pathogenic (1); Likely pathogenic (2). Last evaluated 2026-07-21.

Conditions:
Cardiovascular phenotype. Identifiers: MedGen CN230736.
Dilated cardiomyopathy 1G (CMD1G). Identifiers: Orphanet 154, MedGen C1858763, MONDO:0011400, OMIM 604145.
Autosomal recessive limb-girdle muscular dystrophy type 2J (LGMDR10). Also called: MUSCULAR DYSTROPHY, LIMB-GIRDLE, AUTOSOMAL RECESSIVE 10; Limb-girdle muscular dystrophy, type 2J. Identifiers: Orphanet 140922, MedGen C1837342, MONDO:0012127, OMIM 608807.

Submissions (3):

GeneDx
Classification: Likely pathogenic. Last evaluated: 2026-07-21. Review status: criteria provided, single submitter. Criteria: GeneDx Variant Classification Process June 2021. Collection method: clinical testing. Allele origin: germline.
Comment: Nonsense variant predicted to result in protein truncation or nonsense mediated decay in a gene for which loss of function is a known mechanism of disease; Located in the A-band, a region of TTN for which truncating variants are significantly associated with autosomal dominant cardiomyopathy and also with autosomal recessive skeletal myopathies (PMID: 22335739, 32778822); Not observed at significant frequency in large population cohorts (gnomAD); Has not been previously published as pathogenic or benign to our knowledge; This variant is associated with the following publications: (PMID: 22335739, 32778822)

Labcorp Genetics (formerly Invitae), Labcorp
Classification: Pathogenic for Dilated cardiomyopathy 1G; Autosomal recessive limb-girdle muscular dystrophy type 2J. Last evaluated: 2025-10-19. Review status: criteria provided, single submitter. Criteria: Invitae Variant Classification Sherloc (09022015). Collection method: clinical testing. Allele origin: germline.
Comment: This sequence change creates a premature translational stop signal (p.Lys16954*) in the TTN gene. While this is not anticipated to result in nonsense mediated decay, it is expected to create a truncated TTN protein. This variant is not present in population databases (gnomAD no frequency). This premature translational stop signal has been observed in individuals with dilated cardiomyopathy (internal data). ClinVar contains an entry for this variant (Variation ID: 202382). This variant is located in the A band of TTN (PMID: 25589632). Truncating variants in this region are significantly overrepresented in patients affected with dilated cardiomyopathy (PMID: 25589632). Truncating variants in this region have also been reported in individuals affected with autosomal recessive centronuclear myopathy (PMID: 23975875). For these reasons, this variant has been classified as Pathogenic.

Ambry Genetics
Classification: Likely pathogenic for Cardiovascular phenotype. Last evaluated: 2024-04-16. Review status: criteria provided, single submitter. Criteria: Ambry Variant Classification Scheme 2023. Collection method: clinical testing. Allele origin: germline.
Comment: The p.K7889* variant (also known as c.23665A>T), located in coding exon 97 of the TTN gene, results from an A to T substitution at nucleotide position 23665. This changes the amino acid from a lysine to a stop codon within coding exon 97. This exon is located in the A-band region of the N2-B isoform of the titin protein and is constitutively expressed in TTN transcripts (percent spliced in or PSI 100%). This alteration is expected to result in loss of function by premature protein truncation or nonsense-mediated mRNA decay. While truncating variants in TTN are present in 1-3% of the general population, truncating variants in the A-band are the most common cause of dilated cardiomyopathy (DCM) (Herman DS et al. N. Engl. J. Med., 2012 Feb;366:619-28; Roberts AM et al. Sci Transl Med, 2015 Jan;7:270ra6). TTN truncating variants encoded in constitutive exons (PSI >90%) have been found to be significantly associated with DCM regardless of their position in titin (Schafer S et al. Nat. Genet., 2017 01;49:46-53). This variant is considered to be rare based on population cohorts in the Genome Aggregation Database (gnomAD). Based on the majority of available evidence to date, this variant is likely to be pathogenic.

Literature cited by the submitters: PubMed 25589632 (cited by Labcorp Genetics (formerly Invitae), Labcorp); PubMed 23975875 (cited by Labcorp Genetics (formerly Invitae), Labcorp).